The following is an entry in ClinVar:

ClinVar aggregate classification (germline): Uncertain significance. Review status: criteria provided, multiple submitters, no conflicts (2 of 4 stars). 5 submissions from 4 submitters: Uncertain significance (4). 1 of the submissions does not count toward it. Last evaluated 2024-04-14.

Conditions:
Goldmann-Favre syndrome. Identifiers: Orphanet 53540, MedGen C0339541, MONDO:0100289.
Enhanced S-cone syndrome (ESCS). Identifiers: Orphanet 53540, MedGen C1849394, MONDO:0100288, MONDO:0009989.
Retinal dystrophy. Also called: Inherited retinal dystrophy. Identifiers: Orphanet 71862, MedGen C0854723, MeSH D058499, MONDO:0019118, HP:0000556.
Retinitis pigmentosa (RP). Identifiers: Orphanet 791, MedGen C0035334, MeSH D012174, MONDO:0019200, OMIM 268000. Inheritance: Autosomal dominant, autosomal recessive and X linked inheritance.

Allele frequency attached by ClinVar (database versions not stated): ExAC below 0.00001; gnomAD exomes 0.00004 and 0.00005; TOPMed 0.00005.
gnomAD v4.1: 78 of 1,554,386 alleles (0.005%); highest among the groups gnomAD compares: Middle Eastern, 0.1%; no homozygotes.

Submissions (5):

Labcorp Genetics (formerly Invitae), Labcorp
Classification: Uncertain significance. Last evaluated: 2024-04-14. Review status: criteria provided, single submitter. Criteria: Invitae Variant Classification Sherloc (09022015). Collection method: clinical testing. Allele origin: germline.
Comment: This sequence change replaces proline, which is neutral and non-polar, with leucine, which is neutral and non-polar, at codon 143 of the NR2E3 protein (p.Pro143Leu). This variant is present in population databases (rs776742417, gnomAD 0.009%). This variant has not been reported in the literature in individuals affected with NR2E3-related conditions. ClinVar contains an entry for this variant (Variation ID: 888478). Advanced modeling of protein sequence and biophysical properties (such as structural, functional, and spatial information, amino acid conservation, physicochemical variation, residue mobility, and thermodynamic stability) performed at Invitae indicates that this missense variant is not expected to disrupt NR2E3 protein function with a negative predictive value of 95%. In summary, the available evidence is currently insufficient to determine the role of this variant in disease. Therefore, it has been classified as a Variant of Uncertain Significance.

Dept Of Ophthalmology, Nagoya University
Classification: Uncertain significance for Retinal dystrophy. Last evaluated: 2023-10-01. Review status: criteria provided, single submitter. Criteria: Submitter's publication. Collection method: research. Allele origin: germline. Affected: yes.

Illumina Laboratory Services, Illumina
Classification: Uncertain significance for ENHANCED S-CONE SYNDROME 1. Last evaluated: 2018-01-13. Review status: criteria provided, single submitter. Criteria: ICSL Variant Classification Criteria 13 December 2019. Collection method: clinical testing. Allele origin: germline.

Illumina Laboratory Services, Illumina
Classification: Uncertain significance for Retinitis pigmentosa. Last evaluated: 2018-01-13. Review status: criteria provided, single submitter. Criteria: ICSL Variant Classification Criteria 13 December 2019. Collection method: clinical testing. Allele origin: germline.

Natera, Inc.
Classification: Uncertain significance for Goldmann-Favre syndrome. Last evaluated: 2020-07-27. Review status: no assertion criteria provided. Collection method: clinical testing. Allele origin: germline. Not counted in ClinVar's aggregate classification.

NM_014249.4(NR2E3):c.428C>T (p.Pro143Leu)

Gene: NR2E3 (nuclear receptor subfamily 2 group E member 3; plus strand). Cytogenetic location: 15q23.
Variant type: single nucleotide variant.
Coding change: c.428C>T on transcript NM_014249.4 (MANE Select); coding-DNA position 428, C replaced by T.
Protein change: p.Pro143Leu; replaces proline 143 with leucine.
Molecular consequence: missense variant.
Genome position (GRCh38, 1-based): chr15:71,812,033, C>T. VCF-style: chr15-71812033-C-T. GRCh37 (hg19) VCF-style: chr15-72104373-C-T.
Other names: c.428C>T, p.Pro143Leu (NM_016346.4); short protein forms P143L.
Identifiers: ClinVar variation 888478 (VCV000888478.8), dbSNP rs776742417, ClinGen allele CA7640310.
Genomic context (GRCh38, chr15:71,812,033, plus strand): 5'-AGCCGCGAAGCACAGCCCAGGTCCACCTGGACAGCATGGAGTCCAACACTGAGTCCCGGC[C>T]GGAGTCCCTGGTGGCTCCCCCGGCCCCGGCAGGGCGCAGCCCACGGGGCCCCACACCCAT-3'
Protein context (NP_055064.1, residues 133-153): DSMESNTESR[Pro143Leu]ESLVAPPAPA